The following is an entry in ClinVar:

ClinVar aggregate classification (germline): Likely benign (0 of 4 stars; one submission).

Conditions:
PKD1L1-related disorder. Also called: PKD1L1-related condition.

Submission:

PreventionGenetics, part of Exact Sciences
Classification: Likely benign for PKD1L1-related condition. Last evaluated: 2023-05-19. Review status: no assertion criteria provided. Collection method: clinical testing. Allele origin: germline.
Comment: This variant is classified as likely benign based on ACMG/AMP sequence variant interpretation guidelines (Richards et al. 2015 PMID: 25741868, with internal and published modifications).

NM_138295.5(PKD1L1):c.6361C>T (p.Leu2121=)

Gene: PKD1L1 (polycystin 1 like 1, transient receptor potential channel interacting; minus strand). Cytogenetic location: 7p12.3.
Variant type: single nucleotide variant.
Coding change: c.6361C>T on transcript NM_138295.5 (MANE Select); coding-DNA position 6361, C replaced by T.
Protein change: p.Leu2121=; no amino-acid change (leucine 2121 retained).
Molecular consequence: synonymous variant.
Genome position (GRCh38, 1-based): chr7:47,831,329, G>A on the plus strand (C>T on the coding strand, the complement: PKD1L1 is on the minus strand). VCF-style: chr7-47831329-G-A. GRCh37 (hg19) VCF-style: chr7-47870927-G-A.
Identifiers: ClinVar variation 3050620 (VCV003050620.2), dbSNP rs2483932116, ClinGen allele CA454917449.
Genomic context (GRCh38, chr7:47,831,329, plus strand): 5'-AAATGGCCCACACTGCAGAGCTCCACCAAGGCTGAAGGGCCCTTGACCACTGGGGCATTA[G>A]TCCCTCCAAACCACTGCTGGGTGCTGCGGAAGAGTAGGACAGAGACAAGGCAGCTTAAGA-3'
Protein context (NP_612152.1, residues 2111-2131): TQAPSSGLEG[Leu2121=]MPQWSRALQP